The following is an entry in ClinVar:

ClinVar aggregate classification (germline): Pathogenic (1 of 4 stars; one submission).

Conditions:
Retinitis pigmentosa 73 (RP73). Identifiers: Orphanet 791, MedGen C4225287, MONDO:0014687, OMIM 616544.
Mucopolysaccharidosis, MPS-III-C (MPS3C). Also called: SANFILIPPO SYNDROME C; MPS III C; Mucopolysaccharidosis type IIIC (Sanfilippo C); MUCOPOLYSACCHARIDOSIS, TYPE IIIC; mucopolysaccharidosis type 3C; MPS IIIC (Sanfilippo Syndrome Type C). Identifiers: Orphanet 581, Orphanet 79271, MedGen C0086649, MONDO:0009657, OMIM 252930.

Submission:

Labcorp Genetics (formerly Invitae), Labcorp
Classification: Pathogenic for Retinitis pigmentosa 73; Mucopolysaccharidosis, MPS-III-C. Last evaluated: 2023-07-03. Review status: criteria provided, single submitter. Criteria: Invitae Variant Classification Sherloc (09022015). Collection method: clinical testing. Allele origin: germline.
Comment: For these reasons, this variant has been classified as Pathogenic. Algorithms developed to predict the effect of sequence changes on RNA splicing suggest that this variant may disrupt the consensus splice site. Disruption of this splice site has been observed in individuals with mucopolysaccharidosis type III (PMID: 16960811, 17033958). This variant is not present in population databases (gnomAD no frequency). This sequence change affects a donor splice site in intron 4 of the HGSNAT gene. It is expected to disrupt RNA splicing. Variants that disrupt the donor or acceptor splice site typically lead to a loss of protein function (PMID: 16199547), and loss-of-function variants in HGSNAT are known to be pathogenic (PMID: 17033958, 19479962).

Literature cited by the submitters: PubMed 16960811; PubMed 17033958; PubMed 16199547; PubMed 19479962.

NM_152419.3(HGSNAT):c.493+1G>C

Gene: HGSNAT (heparan-alpha-glucosaminide N-acetyltransferase; plus strand). Cytogenetic location: 8p11.21.
Variant type: single nucleotide variant.
Coding change: c.493+1G>C on transcript NM_152419.3 (MANE Select); the canonical splice donor site of the intron after coding-DNA position 493, G replaced by C.
Molecular consequence: splice donor variant.
Genome position (GRCh38, 1-based): chr8:43,159,045, G>C. VCF-style: chr8-43159045-G-C. GRCh37 (hg19) VCF-style: chr8-43014188-G-C.
Other names: c.493+1G>C (NM_001363227.2, NM_001363228.2); c.-341+1G>C (NM_001363229.2).
Identifiers: ClinVar variation 2949524 (VCV002949524.3), dbSNP rs193066451, ClinGen allele CA371115717.